The following is an entry in ClinVar:

NM_014846.4(WASHC5):c.2016+46A>C

Gene: WASHC5 (WASH complex subunit 5; minus strand). Cytogenetic location: 8q24.13.
Variant type: single nucleotide variant.
Coding change: c.2016+46A>C on transcript NM_014846.4 (MANE Select); 46 bases into the intron after coding-DNA position 2016, A replaced by C.
Molecular consequence: intron variant.
Genome position (GRCh38, 1-based): chr8:125,056,631, T>G on the plus strand (A>C on the coding strand, the complement: WASHC5 is on the minus strand). VCF-style: chr8-125056631-T-G. GRCh37 (hg19) VCF-style: chr8-126068873-T-G.
Other names: c.1572+46A>C (NM_001330609.2).
Identifiers: ClinVar variation 682821 (VCV000682821.2), dbSNP rs2303523, ClinGen allele CA4873648.

ClinVar aggregate classification (germline): Benign. Review status: criteria provided, multiple submitters, no conflicts (2 of 4 stars). 2 submissions from 2 submitters: Benign (2). Last evaluated 2018-06-16.

Allele frequency attached by ClinVar (database versions not stated): ESP Exome Variant Server 0.06582; gnomAD 0.06656 and 0.06948; 1000 Genomes Project 30x 0.06668; 1000 Genomes Project 0.07009; TOPMed 0.07261; ExAC 0.08269; gnomAD exomes 0.08509 and 0.09148.
gnomAD v4.1: 144,060 of 1,609,934 alleles (8.9%); highest among the groups gnomAD compares: Middle Eastern, 22%; 7,104 homozygotes.

Submissions (2):

GeneDx
Classification: Benign. Last evaluated: 2018-06-16. Review status: criteria provided, single submitter. Criteria: GeneDx Variant Classification (06012015). Collection method: clinical testing. Allele origin: germline. Affected: yes.
Comment: This variant is considered likely benign or benign based on one or more of the following criteria: it is a conservative change, it occurs at a poorly conserved position in the protein, it is predicted to be benign by multiple in silico algorithms, and/or has population frequency not consistent with disease.

Breakthrough Genomics
Classification: Benign. Review status: criteria provided, single submitter. Criteria: ACMG Guidelines, 2015. Collection method: not provided. Allele origin: germline. Inheritance: Autosomal recessive inheritance. Affected: yes.